The following is an entry in ClinVar:

ClinVar aggregate classification (germline): Uncertain significance (1 of 4 stars; one submission).

Conditions:
Cardiomyopathy (CMYO). Also called: Cardiomyopathies. Identifiers: Orphanet 167848, MedGen C0878544, MONDO:0004994, HP:0001638. Inheritance: Various modes of inheritance.

Allele frequency attached by ClinVar (database versions not stated): gnomAD 0.00001.
gnomAD v4.1: 1 of 1,613,208 alleles (0.000062%); highest among the groups gnomAD compares: East Asian, 0.0022%; no homozygotes.

Submission:

Color Diagnostics, LLC DBA Color Health
Classification: Uncertain significance for Cardiomyopathy. Last evaluated: 2024-03-07. Review status: criteria provided, single submitter. Criteria: ACMG Guidelines, 2015. Collection method: clinical testing. Allele origin: germline.
Comment: This missense variant replaces glycine with arginine at codon 1877 of the RYR2 protein. Computational prediction suggests that this variant may not impact protein structure and function (internally defined REVEL score threshold <= 0.5, PMID: 27666373). To our knowledge, functional studies have not been reported for this variant. This variant has not been reported in individuals affected with cardiovascular disorders in the literature. This variant has not been identified in the general population by the Genome Aggregation Database (gnomAD). The available evidence is insufficient to determine the role of this variant in disease conclusively. Therefore, this variant is classified as a Variant of Uncertain Significance.

NM_001035.3(RYR2):c.5629G>A (p.Gly1877Arg)

Gene: RYR2 (ryanodine receptor 2; plus strand). Cytogenetic location: 1q43.
Variant type: single nucleotide variant.
Coding change: c.5629G>A on transcript NM_001035.3 (MANE Select); coding-DNA position 5629, G replaced by A.
Protein change: p.Gly1877Arg; replaces glycine 1877 with arginine.
Molecular consequence: missense variant.
Genome position (GRCh38, 1-based): chr1:237,614,757, G>A. VCF-style: chr1-237614757-G-A. GRCh37 (hg19) VCF-style: chr1-237778057-G-A.
Other names: short protein forms G1877R.
Identifiers: ClinVar variation 2774312 (VCV002774312.2), dbSNP rs1573126841, ClinGen allele CA345405537.
Genomic context (GRCh38, chr1:237,614,757, plus strand): 5'-CCGGAGGAGGAGAGTGACACGCTGGAGAAAGAGCTCAGTGTGGACGATGCAAAGCTGCAA[G>A]GAGCTGGTGAGGAAGAAGCCAAGGGGGGCAAGCGGCCCAAGGAAGGCCTGCTCCAAATGA-3'
Protein context (NP_001026.2, residues 1867-1887): ELSVDDAKLQ[Gly1877Arg]AGEEEAKGGK